The following is an entry in ClinVar:

ClinVar aggregate classification (germline): Likely benign. Review status: criteria provided, single submitter (1 of 4 stars). 2 submissions from 2 submitters: Likely benign (1). 1 of the submissions does not count toward it. Last evaluated 2018-05-24.

Conditions:
AGO1-related disorder. Also called: AGO1-related condition.

Allele frequency attached by ClinVar (database versions not stated): gnomAD exomes 0.00010; ExAC 0.00011; 1000 Genomes Project 30x 0.00016; 1000 Genomes Project 0.00020; gnomAD 0.00027 and 0.00032; TOPMed 0.00040; ESP Exome Variant Server 0.00062.
gnomAD v4.1: 78 of 1,612,642 alleles (0.0048%); highest among the groups gnomAD compares: African/African-American, 0.1%; no homozygotes.

Submissions (2):

Labcorp Genetics (formerly Invitae), Labcorp
Classification: Likely benign. Last evaluated: 2018-05-24. Review status: criteria provided, single submitter. Criteria: Invitae Variant Classification Sherloc (09022015). Collection method: clinical testing. Allele origin: germline.

PreventionGenetics, part of Exact Sciences
Classification: Likely benign for AGO1-related condition. Last evaluated: 2024-06-19. Review status: no assertion criteria provided. Collection method: clinical testing. Allele origin: germline. Not counted in ClinVar's aggregate classification.
Comment: This variant is classified as likely benign based on ACMG/AMP sequence variant interpretation guidelines (Richards et al. 2015 PMID: 25741868, with internal and published modifications).

NM_012199.5(AGO1):c.1014C>G (p.Pro338=)

Genes: AGO1 (argonaute RISC component 1; plus strand), LOC126805695 (MED14-independent group 3 enhancer GRCh37_chr1:36359789-36360988; plus strand). Cytogenetic location: 1p34.3.
Variant type: single nucleotide variant.
Coding change: c.1014C>G on transcript NM_012199.5 (MANE Select); coding-DNA position 1014, C replaced by G.
Protein change: p.Pro338=; no amino-acid change (proline 338 retained).
Molecular consequence: synonymous variant.
Genome position (GRCh38, 1-based): chr1:35,895,263, C>G. VCF-style: chr1-35895263-C-G. GRCh37 (hg19) VCF-style: chr1-36360864-C-G.
Other names: c.1014C>G, p.Pro338= (NM_001317122.2); c.789C>G, p.Pro263= (NM_001317123.2).
Identifiers: ClinVar variation 729078 (VCV000729078.4), dbSNP rs149082767, ClinGen allele CA763116.